The following is an entry in ClinVar:

NM_001242896.3(DEPDC5):c.483+2T>C

Gene: DEPDC5 (DEP domain containing 5, GATOR1 subcomplex subunit; plus strand). Cytogenetic location: 22q12.2.
Variant type: single nucleotide variant.
Coding change: c.483+2T>C on transcript NM_001242896.3 (MANE Select); the canonical splice donor site of the intron after coding-DNA position 483, T replaced by C.
Molecular consequence: splice donor variant.
Genome position (GRCh38, 1-based): chr22:31,778,170, T>C. VCF-style: chr22-31778170-T-C. GRCh37 (hg19) VCF-style: chr22-32174156-T-C.
Other names: c.483+2T>C (NM_001364318.2, NM_001136029.4, NM_014662.6 and 7 more transcripts); c.399+2T>C (NM_001369902.1, NM_001369901.1).
Identifiers: ClinVar variation 2770585 (VCV002770585.3), dbSNP rs2518229660, ClinGen allele CA411284598.

ClinVar aggregate classification (germline): Likely pathogenic (1 of 4 stars; one submission).

Conditions:
Familial focal epilepsy with variable foci (FPEVF). Identifiers: Orphanet 98820, MedGen C1858477, MONDO:0020310.

Submission:

Labcorp Genetics (formerly Invitae), Labcorp
Classification: Likely pathogenic for Familial focal epilepsy with variable foci. Last evaluated: 2023-10-22. Review status: criteria provided, single submitter. Criteria: Invitae Variant Classification Sherloc (09022015). Collection method: clinical testing. Allele origin: germline.
Comment: This sequence change affects a donor splice site in intron 8 of the DEPDC5 gene. It is expected to disrupt RNA splicing. Variants that disrupt the donor or acceptor splice site typically lead to a loss of protein function (PMID: 16199547), and loss-of-function variants in DEPDC5 are known to be pathogenic (PMID: 23542697, 23542701). This variant is not present in population databases (gnomAD no frequency). This variant has not been reported in the literature in individuals affected with DEPDC5-related conditions. Algorithms developed to predict the effect of sequence changes on RNA splicing suggest that this variant may disrupt the consensus splice site. In summary, the currently available evidence indicates that the variant is pathogenic, but additional data are needed to prove that conclusively. Therefore, this variant has been classified as Likely Pathogenic.

Literature cited by the submitters: PubMed 16199547; PubMed 23542697; PubMed 23542701.